The following is an entry in ClinVar:

NM_000038.6(APC):c.2568C>A (p.Arg856=)

Gene: APC (APC regulator of Wnt signaling pathway; plus strand). Cytogenetic location: 5q22.2.
Variant type: single nucleotide variant.
Coding change: c.2568C>A on transcript NM_000038.6 (MANE Select); coding-DNA position 2568, C replaced by A.
Protein change: p.Arg856=; no amino-acid change (arginine 856 retained).
Molecular consequence: synonymous variant.
Genome position (GRCh38, 1-based): chr5:112,838,162, C>A. VCF-style: chr5-112838162-C-A. GRCh37 (hg19) VCF-style: chr5-112173859-C-A.
Other names: c.2568C>A, p.Arg856= (NM_001127510.3, NM_001354895.2); c.2514C>A, p.Arg838= (NM_001127511.3); c.2622C>A, p.Arg874= (NM_001354896.2); c.2598C>A, p.Arg866= (NM_001354897.2); c.2493C>A, p.Arg831= (NM_001354898.2); c.2484C>A, p.Arg828= (NM_001354899.2); c.2445C>A, p.Arg815= (NM_001354900.2); c.2391C>A, p.Arg797= (NM_001354901.2); and 5 more.
Identifiers: ClinVar variation 1136764 (VCV001136764.12), dbSNP rs751433216, ClinGen allele CA445962881.
Genomic context (GRCh38, chr5:112,838,162, plus strand): 5'-ATCAAGAGGAAGCTTAGATAGTTCTCGTTCTGAAAAAGATAGAAGTTTGGAGAGAGAACG[C>A]GGAATTGGTCTAGGCAACTACCATCCAGCAACAGAAAATCCAGGAACTTCTTCAAAGCGA-3'
Protein context (NP_000029.2, residues 846-866): SEKDRSLERE[Arg856=]GIGLGNYHPA

ClinVar aggregate classification (germline): Benign/Likely benign. Review status: criteria provided, multiple submitters, no conflicts (2 of 4 stars). 3 submissions from 3 submitters: Benign (1); Likely benign (2). Last evaluated 2024-03-14.

Conditions:
Hereditary cancer-predisposing syndrome. Also called: Hereditary neoplastic syndrome; Hereditary Cancer Syndrome; Tumor predisposition; Neoplastic Syndromes, Hereditary. Identifiers: Orphanet 140162, MedGen C0027672, MeSH D009386, MONDO:0015356.
Familial adenomatous polyposis 1 (FAP1). Also called: FAMILIAL ADENOMATOUS POLYPOSIS 1, ATTENUATED; POLYPOSIS, ADENOMATOUS INTESTINAL. Identifiers: MedGen C2713442, MONDO:0021056, OMIM 175100. Disease mechanism: loss of function.

Submissions (3):

Myriad Genetics, Inc.
Classification: Benign for Familial adenomatous polyposis 1. Last evaluated: 2024-03-14. Review status: criteria provided, single submitter. Criteria: Myriad Autosomal Dominant, Autosomal Recessive and X-Linked Classification Criteria (2023). Collection method: clinical testing. Allele origin: unknown.
Comment: This variant is considered benign. This variant is a silent/synonymous amino acid change and it is not expected to impact splicing.

Ambry Genetics
Classification: Likely benign for Hereditary cancer-predisposing syndrome. Last evaluated: 2022-09-08. Review status: criteria provided, single submitter. Criteria: Ambry Variant Classification Scheme 2023. Collection method: clinical testing. Allele origin: germline.

Labcorp Genetics (formerly Invitae), Labcorp
Classification: Likely benign for Familial adenomatous polyposis 1. Last evaluated: 2019-08-17. Review status: criteria provided, single submitter. Criteria: Invitae Variant Classification Sherloc (09022015). Collection method: clinical testing. Allele origin: germline.